The following is an entry in ClinVar:

ClinVar aggregate classification (germline): Uncertain significance (1 of 4 stars; one submission).

Conditions:
Marfan syndrome (MFS). Also called: MARFAN SYNDROME, TYPE I; Marfan syndrome type 1; Marfan's syndrome; Marfan syndrome, classic; FBN1-Related Marfan Syndrome. Identifiers: Orphanet 284963, Orphanet 558, MedGen C0024796, MONDO:0007947, OMIM 154700.
Familial thoracic aortic aneurysm and aortic dissection (TAAD). Also called: Thoracic aortic aneurysms and dissections. Identifiers: Orphanet 91387, MedGen C4707243, MONDO:0019625.

Submission:

Labcorp Genetics (formerly Invitae), Labcorp
Classification: Uncertain significance for Marfan syndrome; Familial thoracic aortic aneurysm and aortic dissection. Last evaluated: 2024-11-06. Review status: criteria provided, single submitter. Criteria: Invitae Variant Classification Sherloc (09022015). Collection method: clinical testing. Allele origin: germline.
Comment: This sequence change falls in intron 56 of the FBN1 gene. It does not directly change the encoded amino acid sequence of the FBN1 protein. It affects a nucleotide within the consensus splice site. This variant is not present in population databases (gnomAD no frequency). This variant has not been reported in the literature in individuals affected with FBN1-related conditions. Variants that disrupt the consensus splice site are a relatively common cause of aberrant splicing (PMID: 17576681, 9536098). Algorithms developed to predict the effect of sequence changes on RNA splicing suggest that this variant is not likely to affect RNA splicing. In summary, the available evidence is currently insufficient to determine the role of this variant in disease. Therefore, it has been classified as a Variant of Uncertain Significance.

Literature cited by the submitters: PubMed 17576681; PubMed 9536098.

NM_000138.5(FBN1):c.6871+3A>G

Gene: FBN1 (fibrillin 1; minus strand). Cytogenetic location: 15q21.1.
Variant type: single nucleotide variant.
Coding change: c.6871+3A>G on transcript NM_000138.5 (MANE Select); 3 bases into the intron after coding-DNA position 6871, A replaced by G.
Molecular consequence: intron variant.
Genome position (GRCh38, 1-based): chr15:48,430,668, T>C on the plus strand (A>G on the coding strand, the complement: FBN1 is on the minus strand). VCF-style: chr15-48430668-T-C. GRCh37 (hg19) VCF-style: chr15-48722865-T-C.
Other names: c.6871+3A>G (NM_001406716.1).
Identifiers: ClinVar variation 3759718 (VCV003759718.2).